The following is an entry in ClinVar:

NM_002972.4(SBF1):c.4819C>T (p.Arg1607Trp)

Gene: SBF1 (SET binding factor 1; minus strand). Cytogenetic location: 22q13.33.
Variant type: single nucleotide variant.
Coding change: c.4819C>T on transcript NM_002972.4 (MANE Select); coding-DNA position 4819, C replaced by T.
Protein change: p.Arg1607Trp; replaces arginine 1607 with tryptophan.
Molecular consequence: missense variant.
Genome position (GRCh38, 1-based): chr22:50,454,736, G>A on the plus strand (C>T on the coding strand, the complement: SBF1 is on the minus strand). VCF-style: chr22-50454736-G-A. GRCh37 (hg19) VCF-style: chr22-50893165-G-A.
Other names: p.Arg1607Trp; c.4744C>T, p.Arg1582Trp (NM_001365819.1); c.4822C>T, p.Arg1608Trp (NM_001410794.1); c.4741C>T, p.Arg1581Trp (NM_001410795.1); c.4819C>T, p.Arg1607Trp (NM_197971.1); short protein forms R1581W, R1582W, R1607W, R1608W.
Identifiers: ClinVar variation 2683578 (VCV002683578.1), dbSNP rs757006253, ClinGen allele CA10316103.

ClinVar aggregate classification (germline): Uncertain significance (1 of 4 stars; one submission).

Allele frequency attached by ClinVar (database versions not stated): gnomAD exomes 0.00001.
gnomAD v4.1: 8 of 1,576,804 alleles (0.00051%); highest among the groups gnomAD compares: East Asian, 0.0045%; no homozygotes.

Submission:

Mayo Clinic Laboratories, Mayo Clinic
Classification: Uncertain significance. Last evaluated: 2022-08-03. Review status: criteria provided, single submitter. Criteria: ACMG Guidelines, 2015. Collection method: clinical testing. Allele origin: germline. Observed: 1 variant allele.
Comment: PM2